The following is an entry in ClinVar:

NM_001349253.2(SCN11A):c.161T>C (p.Leu54Pro)

Gene: SCN11A (sodium voltage-gated channel alpha subunit 11; minus strand). Cytogenetic location: 3p22.2.
Variant type: single nucleotide variant.
Coding change: c.161T>C on transcript NM_001349253.2 (MANE Select); coding-DNA position 161, T replaced by C.
Protein change: p.Leu54Pro; replaces leucine 54 with proline.
Molecular consequence: missense variant.
Genome position (GRCh38, 1-based): chr3:38,950,202, A>G on the plus strand (T>C on the coding strand, the complement: SCN11A is on the minus strand). VCF-style: chr3-38950202-A-G. GRCh37 (hg19) VCF-style: chr3-38991693-A-G.
Other names: c.161T>C, p.Leu54Pro (NM_014139.3); c.161T>C (NM_014139.2); short protein forms L54P.
Identifiers: ClinVar variation 1992233 (VCV001992233.2), dbSNP rs2470708543, ClinGen allele CA352176677.

ClinVar aggregate classification (germline): Uncertain significance. Review status: criteria provided, multiple submitters, no conflicts (2 of 4 stars). 2 submissions from 2 submitters: Uncertain significance (2). Last evaluated 2025-10-17.

Conditions:
Inborn genetic diseases. Identifiers: MedGen C0950123, MeSH D030342.
Hereditary sensory and autonomic neuropathy type 7. Also called: Neuropathy, hereditary sensory and autonomic, type VII; HSAN VII. Identifiers: Orphanet 391397, MedGen C3809882, MONDO:0014244, OMIM 615548.
Familial episodic pain syndrome with predominantly lower limb involvement. Also called: Episodic pain syndrome, familial, 3. Identifiers: Orphanet 391384, Orphanet 391392, MedGen C3809899, MONDO:0014247, OMIM 615552.

Allele frequency attached by ClinVar (database versions not stated): gnomAD exomes below 0.00001.
gnomAD v4.1: 1 of 1,613,990 alleles (0.000062%); highest among the groups gnomAD compares: Admixed American, 0.0017%; no homozygotes.

Submissions (2):

Ambry Genetics
Classification: Uncertain significance for Inborn genetic diseases. Last evaluated: 2025-10-17. Review status: criteria provided, single submitter. Criteria: Ambry Variant Classification Scheme 2023. Collection method: clinical testing. Allele origin: germline.

Labcorp Genetics (formerly Invitae), Labcorp
Classification: Uncertain significance for Familial episodic pain syndrome with predominantly lower limb involvement; Hereditary sensory and autonomic neuropathy type 7. Last evaluated: 2022-03-08. Review status: criteria provided, single submitter. Criteria: Invitae Variant Classification Sherloc (09022015). Collection method: clinical testing. Allele origin: germline.
Comment: This sequence change replaces leucine, which is neutral and non-polar, with proline, which is neutral and non-polar, at codon 54 of the SCN11A protein (p.Leu54Pro). This variant is not present in population databases (gnomAD no frequency). This variant has not been reported in the literature in individuals affected with SCN11A-related conditions. Algorithms developed to predict the effect of missense changes on protein structure and function are either unavailable or do not agree on the potential impact of this missense change (SIFT: "Deleterious"; PolyPhen-2: "Probably Damaging"; Align-GVGD: "Class C0"). In summary, the available evidence is currently insufficient to determine the role of this variant in disease. Therefore, it has been classified as a Variant of Uncertain Significance.